The following is an entry in ClinVar:

NM_033026.6(PCLO):c.1826C>G (p.Thr609Arg)

Gene: PCLO (piccolo presynaptic cytomatrix protein; minus strand). Cytogenetic location: 7q21.11.
Variant type: single nucleotide variant.
Coding change: c.1826C>G on transcript NM_033026.6 (MANE Select); coding-DNA position 1826, C replaced by G.
Protein change: p.Thr609Arg; replaces threonine 609 with arginine.
Molecular consequence: missense variant.
Genome position (GRCh38, 1-based): chr7:83,154,815, G>C on the plus strand (C>G on the coding strand, the complement: PCLO is on the minus strand). VCF-style: chr7-83154815-G-C. GRCh37 (hg19) VCF-style: chr7-82784131-G-C.
Other names: c.1826C>G, p.Thr609Arg (NM_014510.3); short protein forms T609R.
Identifiers: ClinVar variation 1931235 (VCV001931235.5), dbSNP rs371345144, ClinGen allele CA367912188.

ClinVar aggregate classification (germline): Uncertain significance (1 of 4 stars; one submission).

Allele frequency attached by ClinVar (database versions not stated): gnomAD exomes below 0.00001.

Submission:

Labcorp Genetics (formerly Invitae), Labcorp
Classification: Uncertain significance. Last evaluated: 2022-10-13. Review status: criteria provided, single submitter. Criteria: Invitae Variant Classification Sherloc (09022015). Collection method: clinical testing. Allele origin: germline.
Comment: In summary, the available evidence is currently insufficient to determine the role of this variant in disease. Therefore, it has been classified as a Variant of Uncertain Significance. This sequence change replaces threonine, which is neutral and polar, with arginine, which is basic and polar, at codon 609 of the PCLO protein (p.Thr609Arg). This variant is not present in population databases (gnomAD no frequency). This variant has not been reported in the literature in individuals affected with PCLO-related conditions. Algorithms developed to predict the effect of missense changes on protein structure and function are either unavailable or do not agree on the potential impact of this missense change (SIFT: "Deleterious"; PolyPhen-2: "Not Available"; Align-GVGD: "Class C0").